The following is an entry in ClinVar:

ClinVar aggregate classification (germline): Uncertain significance. Review status: criteria provided, multiple submitters, no conflicts (2 of 4 stars). 2 submissions from 2 submitters: Uncertain significance (2). Last evaluated 2024-09-09.

Conditions:
Cardiovascular phenotype. Identifiers: MedGen CN230736.
Hereditary cancer-predisposing syndrome. Also called: Tumor predisposition; Neoplastic Syndromes, Hereditary; Hereditary Cancer Syndrome; Hereditary neoplastic syndrome. Identifiers: Orphanet 140162, MedGen C0027672, MeSH D009386, MONDO:0015356.
Neurofibromatosis, type 1 (NF1). Also called: NEUROFIBROMATOSIS, TYPE I, SOMATIC; Neurofibromatosis, type I; VON RECKLINGHAUSEN DISEASE; Peripheral type neurofibromatosis. Identifiers: Orphanet 636, MedGen C0027831, MONDO:0018975, OMIM 162200. Disease mechanism: loss of function.

Submissions (2):

Ambry Genetics
Classification: Uncertain significance for Cardiovascular phenotype; Hereditary cancer-predisposing syndrome. Last evaluated: 2024-09-09. Review status: criteria provided, single submitter. Criteria: Ambry Variant Classification Scheme 2023. Collection method: clinical testing. Allele origin: germline.
Comment: The p.P2472L variant (also known as c.7415C>T), located in coding exon 50 of the NF1 gene, results from a C to T substitution at nucleotide position 7415. The proline at codon 2472 is replaced by leucine, an amino acid with similar properties. This amino acid position is highly conserved in available vertebrate species. In addition, the in silico prediction for this alteration is inconclusive. Since supporting evidence is limited at this time, the clinical significance of this alteration remains unclear.

Labcorp Genetics (formerly Invitae), Labcorp
Classification: Uncertain significance for Neurofibromatosis, type 1. Last evaluated: 2022-08-09. Review status: criteria provided, single submitter. Criteria: Invitae Variant Classification Sherloc (09022015). Collection method: clinical testing. Allele origin: germline.
Comment: Algorithms developed to predict the effect of missense changes on protein structure and function are either unavailable or do not agree on the potential impact of this missense change (SIFT: "Deleterious"; PolyPhen-2: "Benign"; Align-GVGD: "Class C0"). ClinVar contains an entry for this variant (Variation ID: 1062874). This missense change has been observed to co-occur in individuals with a different variant in NF1 that has been determined to be pathogenic (Invitae), but the significance of this finding is unclear. This variant has not been reported in the literature in individuals affected with NF1-related conditions. This variant is not present in population databases (gnomAD no frequency). This sequence change replaces proline, which is neutral and non-polar, with leucine, which is neutral and non-polar, at codon 2472 of the NF1 protein (p.Pro2472Leu). In summary, the available evidence is currently insufficient to determine the role of this variant in disease. Therefore, it has been classified as a Variant of Uncertain Significance.

NM_001042492.3(NF1):c.7478C>T (p.Pro2493Leu)

Gene: NF1 (neurofibromin 1; plus strand). Cytogenetic location: 17q11.2.
Variant type: single nucleotide variant.
Coding change: c.7478C>T on transcript NM_001042492.3 (MANE Select); coding-DNA position 7478, C replaced by T.
Protein change: p.Pro2493Leu; replaces proline 2493 with leucine.
Molecular consequence: missense variant.
Genome position (GRCh38, 1-based): chr17:31,352,277, C>T. VCF-style: chr17-31352277-C-T. GRCh37 (hg19) VCF-style: chr17-29679295-C-T.
Other names: c.7415C>T, p.Pro2472Leu (NM_000267.4); short protein forms P2472L, P2493L.
Identifiers: ClinVar variation 1062874 (VCV001062874.8), dbSNP rs2151576963, ClinGen allele CA399017465.